The following is an entry in ClinVar:

ClinVar aggregate classification (germline): Uncertain significance (1 of 4 stars; one submission).

Conditions:
Hereditary cancer-predisposing syndrome. Also called: Tumor predisposition; Hereditary neoplastic syndrome; Neoplastic Syndromes, Hereditary; Hereditary Cancer Syndrome. Identifiers: Orphanet 140162, MedGen C0027672, MeSH D009386, MONDO:0015356.

Submission:

Ambry Genetics
Classification: Uncertain significance for Hereditary cancer-predisposing syndrome. Last evaluated: 2018-10-01. Review status: criteria provided, single submitter. Criteria: Ambry Variant Classification Scheme 2023. Collection method: clinical testing. Allele origin: germline.
Comment: The p.L476I variant (also known as c.1426C>A), located in coding exon 8 of the SMARCA4 gene, results from a C to A substitution at nucleotide position 1426. The leucine at codon 476 is replaced by isoleucine, an amino acid with highly similar properties. This amino acid position is highly conserved in available vertebrate species. In addition, this alteration is predicted to be tolerated by in silico analysis. Since supporting evidence is limited at this time, the clinical significance of this alteration remains unclear.

NM_003072.5(SMARCA4):c.1426C>A (p.Leu476Ile)

Gene: SMARCA4 (SWI/SNF related BAF chromatin remodeling complex subunit ATPase 4; plus strand). Cytogenetic location: 19p13.2.
Variant type: single nucleotide variant.
Coding change: c.1426C>A on transcript NM_003072.5 (MANE Select); coding-DNA position 1426, C replaced by A.
Protein change: p.Leu476Ile; replaces leucine 476 with isoleucine.
Molecular consequence: missense variant. On other transcripts: non-coding transcript variant (1).
Genome position (GRCh38, 1-based): chr19:10,994,834, C>A. VCF-style: chr19-10994834-C-A. GRCh37 (hg19) VCF-style: chr19-11105510-C-A.
Other names: c.1426C>A, p.Leu476Ile (NM_001128844.3, NM_001128845.2, NM_001128846.2 and 4 more transcripts); short protein forms L476I.
Identifiers: ClinVar variation 819171 (VCV000819171.4), dbSNP rs1600067548, ClinGen allele CA404061954.
Genomic context (GRCh38, chr19:10,994,834, plus strand): 5'-ATGTGTCCACCATGCTGCTGAAGGGTCAGCCTTCTCTTTTGTGCTTTCCTGCAGGAATAC[C>A]TCAATAGCATTCTCCAGCATGCCAAGGATTTCAAGGAATATCACAGATCCGTCACAGGCA-3'
Protein context (NP_003063.2, residues 466-486): RKRRQKHQEY[Leu476Ile]NSILQHAKDF